The following is an entry in ClinVar:

ClinVar aggregate classification (germline): Uncertain significance. Review status: criteria provided, multiple submitters, no conflicts (2 of 4 stars). 2 submissions from 2 submitters: Uncertain significance (2). Last evaluated 2025-05-06.

Conditions:
Tuberous sclerosis 2 (TSC2). Identifiers: Orphanet 805, MedGen C1860707, MONDO:0013199, OMIM 613254.
Hereditary cancer-predisposing syndrome. Also called: Neoplastic Syndromes, Hereditary; Hereditary neoplastic syndrome; Tumor predisposition; Hereditary Cancer Syndrome. Identifiers: Orphanet 140162, MedGen C0027672, MeSH D009386, MONDO:0015356.

Submissions (2):

Ambry Genetics
Classification: Uncertain significance for Hereditary cancer-predisposing syndrome. Last evaluated: 2025-05-06. Review status: criteria provided, single submitter. Criteria: Ambry Variant Classification Scheme 2023. Collection method: clinical testing. Allele origin: germline.
Comment: The p.V1547D variant (also known as c.4640T>A), located in coding exon 35 of the TSC2 gene, results from a T to A substitution at nucleotide position 4640. The valine at codon 1547 is replaced by aspartic acid, an amino acid with highly dissimilar properties. This amino acid position is conserved. In addition, this alteration is predicted to be deleterious by in silico analysis. Based on the available evidence, the clinical significance of this variant remains unclear.

Center for Human Genetics, Inc
Classification: Uncertain significance for Tuberous sclerosis 2. Last evaluated: 2016-11-01. Review status: criteria provided, single submitter. Criteria: ACMG Guidelines, 2015. Collection method: clinical testing. Allele origin: germline. Affected: yes.

NM_000548.5(TSC2):c.4640T>A (p.Val1547Asp)

Gene: TSC2 (TSC complex subunit 2; plus strand). Cytogenetic location: 16p13.3.
Variant type: single nucleotide variant.
Coding change: c.4640T>A on transcript NM_000548.5 (MANE Select); coding-DNA position 4640, T replaced by A.
Protein change: p.Val1547Asp; replaces valine 1547 with aspartic acid.
Molecular consequence: missense variant.
Genome position (GRCh38, 1-based): chr16:2,085,300, T>A. VCF-style: chr16-2085300-T-A. GRCh37 (hg19) VCF-style: chr16-2135301-T-A.
Other names: c.4439T>A, p.Val1480Asp (NM_001077183.3); c.4571T>A, p.Val1524Asp (NM_001114382.3); c.4331T>A, p.Val1444Asp (NM_001318827.2); c.4295T>A, p.Val1432Asp (NM_001318829.2); c.3908T>A, p.Val1303Asp (NM_001318831.2); c.4472T>A, p.Val1491Asp (NM_001318832.2); c.4442T>A, p.Val1481Asp (NM_001363528.2); c.4508T>A, p.Val1503Asp (NM_001370404.1); and 1 more; short protein forms V1547D, V1444D, V1503D, V1432D, V1480D, V1491D, V1524D, V1504D.
Identifiers: ClinVar variation 547827 (VCV000547827.2), dbSNP rs397514988, ClinGen allele CA394304945.
Genomic context (GRCh38, chr16:2,085,300, plus strand): 5'-TTGAGCGGTCGGTGCAGCTCCTCGACCAGATCCCATCATACGACACCCACAAGATCGCCG[T>A]CCTGTATGTTGGAGAAGGCCAGGTGAGGCTGCGGGGCCGGCCTAGGTGCCTGGACAGGGC-3'
Protein context (NP_000539.2, residues 1537-1557): IPSYDTHKIA[Val1547Asp]LYVGEGQSNS